The following is an entry in ClinVar:

ClinVar aggregate classification (germline): Uncertain significance. Review status: criteria provided, multiple submitters, no conflicts (2 of 4 stars). 5 submissions from 5 submitters: Uncertain significance (4). 1 of the submissions does not count toward it. Last evaluated 2026-02-12.

Conditions:
CDH23-related disorder. Also called: CDH23-related condition; CDH23-related disorders.
Usher syndrome type 1 (USH1). Also called: RETINITIS PIGMENTOSA AND CONGENITAL DEAFNESS. Identifiers: Orphanet 231169, Orphanet 886, MedGen C1568247, MONDO:0010168, OMIM 276900.

Allele frequency attached by ClinVar (database versions not stated): TOPMed 0.00009; ExAC 0.00010; gnomAD exomes 0.00010 and 0.00013; gnomAD 0.00014; 1000 Genomes Project 30x 0.00016; 1000 Genomes Project 0.00020; ESP Exome Variant Server 0.00049.
gnomAD v4.1: 205 of 1,613,942 alleles (0.013%); highest among the groups gnomAD compares: African/African-American, 0.017%; no homozygotes.

Submissions (5):

PreventionGenetics, part of Exact Sciences
Classification: Uncertain significance for CDH23-related condition. Last evaluated: 2026-02-12. Review status: criteria provided, single submitter. Criteria: ACMG Guidelines, 2015. Collection method: clinical testing. Allele origin: germline.
Comment: The CDH23 c.256G>A variant is predicted to result in the amino acid substitution p.Val86Met. This variant was reported in an individual with Autism (Table S1, Zhou et al. 2022. PubMed ID: 35982159). This variant is reported in 0.029% of alleles in individuals of African descent in gnomAD. At this time, the clinical significance of this variant is uncertain due to the absence of conclusive functional and genetic evidence.

Women's Health and Genetics/Laboratory Corporation of America, LabCorp
Classification: Uncertain significance. Last evaluated: 2025-12-09. Review status: criteria provided, single submitter. Criteria: LabCorp Variant Classification Summary - May 2015. Collection method: clinical testing. Allele origin: germline.
Comment: Variant summary: CDH23 c.256G>A (p.Val86Met) results in a conservative amino acid change in the encoded protein sequence. Algorithms developed to predict the effect of missense changes on protein structure and function are either unavailable or do not agree on the potential impact of this missense change. The variant allele was found at a frequency of 0.0001 in 249144 control chromosomes. This frequency is not significantly higher than estimated for disease-causing variants in CDH23, allowing no conclusion about variant significance. To our knowledge, no occurrence of c.256G>A in individuals affected with CDH23-related conditions and no experimental evidence demonstrating its impact on protein function have been reported. ClinVar contains an entry for this variant (Variation ID: 841267). Based on the evidence outlined above, the variant was classified as uncertain significance.

Blueprint Genetics
Classification: Uncertain significance. Last evaluated: 2024-09-02. Review status: criteria provided, single submitter. Criteria: ACMG Guidelines, 2015. Collection method: clinical testing. Allele origin: germline.

Labcorp Genetics (formerly Invitae), Labcorp
Classification: Uncertain significance. Last evaluated: 2022-08-23. Review status: criteria provided, single submitter. Criteria: Invitae Variant Classification Sherloc (09022015). Collection method: clinical testing. Allele origin: germline.
Comment: This sequence change replaces valine, which is neutral and non-polar, with methionine, which is neutral and non-polar, at codon 86 of the CDH23 protein (p.Val86Met). This variant is present in population databases (rs200085829, gnomAD 0.03%). This variant has not been reported in the literature in individuals affected with CDH23-related conditions. ClinVar contains an entry for this variant (Variation ID: 841267). Algorithms developed to predict the effect of missense changes on protein structure and function are either unavailable or do not agree on the potential impact of this missense change (SIFT: "Deleterious"; PolyPhen-2: "Not Available"; Align-GVGD: "Class C0"). In summary, the available evidence is currently insufficient to determine the role of this variant in disease. Therefore, it has been classified as a Variant of Uncertain Significance.

Natera, Inc.
Classification: Uncertain significance for Usher syndrome type 1. Last evaluated: 2020-09-16. Review status: no assertion criteria provided. Collection method: clinical testing. Allele origin: germline. Not counted in ClinVar's aggregate classification.

NM_022124.6(CDH23):c.256G>A (p.Val86Met)

Genes: CDH23 (cadherin related 23; plus strand), CDH23-AS1 (CDH23 antisense RNA 1; minus strand). Cytogenetic location: 10q22.1.
Variant type: single nucleotide variant.
Coding change: c.256G>A on transcript NM_022124.6 (MANE Select); coding-DNA position 256, G replaced by A.
Protein change: p.Val86Met; replaces valine 86 with methionine.
Molecular consequence: missense variant.
Genome position (GRCh38, 1-based): chr10:71,510,192, G>A. VCF-style: chr10-71510192-G-A. GRCh37 (hg19) VCF-style: chr10-73269949-G-A.
Other names: c.256G>A, p.Val86Met (NM_001171930.2, NM_001171931.2, NM_001171932.2 and 1 more transcripts); short protein forms V86M.
Identifiers: ClinVar variation 841267 (VCV000841267.7), dbSNP rs200085829, ClinGen allele CA5543333.